The following is an entry in ClinVar:

ClinVar aggregate classification (germline): Likely benign. Review status: criteria provided, multiple submitters, no conflicts (2 of 4 stars). 3 submissions from 3 submitters: Likely benign (2). 1 of the submissions does not count toward it. Last evaluated 2025-04-29.

Conditions:
Carcinoma of colon (CRC). Also called: Colonic carcinoma; Colon carcinoma. Identifiers: MedGen C0699790, MONDO:0002032.
Familial cancer of breast. Also called: Hereditary breast cancer; BREAST CANCER, FAMILIAL; hereditary breast carcinoma. Identifiers: Orphanet 227535, MedGen C0346153, MONDO:0016419, OMIM 114480. Disease mechanism: loss of function.
Ataxia-telangiectasia syndrome (AT). Also called: Ataxia-telangiectasia, complementation group D; AT, COMPLEMENTATION GROUP C; ATAXIA-TELANGIECTASIA, COMPLEMENTATION GROUP A; ATAXIA-TELANGIECTASIA, FRESNO VARIANT; Ataxia-telangiectasia; LOUIS-BAR SYNDROME. Identifiers: Orphanet 100, MedGen C0004135, MONDO:0008840, OMIM 208900.

Allele frequency attached by ClinVar (database versions not stated): ExAC 0.00001; gnomAD exomes 0.00001.
gnomAD v4.1: 4 of 1,609,696 alleles (0.00025%); no homozygotes.

Submissions (3):

Labcorp Genetics (formerly Invitae), Labcorp
Classification: Likely benign for Ataxia-telangiectasia syndrome. Last evaluated: 2025-04-29. Review status: criteria provided, single submitter. Criteria: Invitae Variant Classification Sherloc (09022015). Collection method: clinical testing. Allele origin: germline.

Myriad Genetics, Inc.
Classification: Likely benign for Familial cancer of breast. Last evaluated: 2024-06-05. Review status: criteria provided, single submitter. Criteria: Myriad Autosomal Dominant, Autosomal Recessive and X-Linked Classification Criteria (2023). Collection method: clinical testing. Allele origin: unknown.
Comment: This variant is considered likely benign. This variant is intronic and is not expected to impact mRNA splicing.

Department of Pathology and Laboratory Medicine, Sinai Health System
Classification: Likely benign for Carcinoma of colon. Review status: no assertion criteria provided. Collection method: clinical testing. Allele origin: unknown. Affected: yes. Study: The Canadian Open Genetics Repository (COGR). Not counted in ClinVar's aggregate classification.
Comment: The ATM c.6199-6G>A variant was not identified in the literature nor was it identified in the dbSNP, ClinVar, COGR, Cosmic, or LOVD 3.0, databases. The variant was identified in control databases in 3 of 246096 chromosomes at a frequency of 0.00001 (Genome Aggregation Database Feb 27, 2017). The variant was observed in the following populations: European in 1 of 111630 chromosomes (freq: 0.000009), Finnish in 2 of 22300 chromosomes (freq: 0.00009), while the variant was not observed in the African, Other, Latino, Ashkenazi Jewish, East Asian, and South Asian populations. The c.6199-6G>A variant is located in the 3' splice region but does not affect the invariant -1 and -2 positions. However, positions -3 and -5 to -12 are part of the splicing consensus sequence and variants involving these positions sometimes affect splicing. However, in silico or computational prediction software programs (SpliceSiteFinder, MaxEntScan, NNSPLICE, GeneSplicer) do not predict a difference in splicing. In summary, based on the above information the clinical significance of this variant cannot be determined with certainty at this time although we would lean towards a more benign role for this variant. This variant is classified as likely benign.

NM_000051.4(ATM):c.6199-6G>A

Genes: ATM (ATM serine/threonine kinase; plus strand), C11orf65 (chromosome 11 open reading frame 65; minus strand). Cytogenetic location: 11q22.3.
Variant type: single nucleotide variant.
Coding change: c.6199-6G>A on transcript NM_000051.4 (MANE Select); 6 bases into the intron before coding-DNA position 6199, G replaced by A.
Molecular consequence: intron variant.
Genome position (GRCh38, 1-based): chr11:108,317,367, G>A. VCF-style: chr11-108317367-G-A. GRCh37 (hg19) VCF-style: chr11-108188094-G-A.
Other names: c.6199-6G>A (NM_001351834.2); c.641-8296C>T (NM_001330368.2); c.*39-8296C>T (NM_001351110.2).
Identifiers: ClinVar variation 762691 (VCV000762691.13), dbSNP rs1555114529, ClinGen allele CA6265892.
Genomic context (GRCh38, chr11:108,317,367, plus strand): 5'-TTTTTCTCTGGTTTTCTGTTGATATCTTTGATTACTTAACTTAAAAACAAAATAACTCCT[G>A]TTTAGGCCTTGCAGAATTTGGGACTCTGCCATATTCTTTCCGTCTATTTAAAAGGATTGG-3'